The following is an entry in ClinVar:

ClinVar aggregate classification (germline): Benign. Review status: criteria provided, multiple submitters, no conflicts (2 of 4 stars). 3 submissions from 3 submitters: Benign (2). 1 of the submissions does not count toward it. Last evaluated 2026-02-03.

Conditions:
Early-infantile DEE. Also called: Early infantile epileptic encephalopathy; Ohtahara syndrome; Early infantile epileptic encephalopathy with suppression bursts. Identifiers: Orphanet 1934, MedGen C0393706, MONDO:0800491.
KCNH5-related disorder. Also called: KCNH5-related condition.

Allele frequency attached by ClinVar (database versions not stated): gnomAD 0.02985 and 0.03033; gnomAD exomes 0.03471; ExAC 0.03527; 1000 Genomes Project 0.02296; 1000 Genomes Project 30x 0.02327; TOPMed 0.02371; ESP Exome Variant Server 0.02614.
gnomAD v4.1: 58,866 of 1,613,142 alleles (3.6%); highest among the groups gnomAD compares: South Asian, 6.1%; 1,359 homozygotes.

Submissions (3):

Labcorp Genetics (formerly Invitae), Labcorp
Classification: Benign for Early-infantile DEE. Last evaluated: 2026-02-03. Review status: criteria provided, single submitter. Criteria: Invitae Variant Classification Sherloc (09022015). Collection method: clinical testing. Allele origin: germline.

Breakthrough Genomics
Classification: Benign. Review status: criteria provided, single submitter. Criteria: ACMG Guidelines, 2015. Collection method: not provided. Allele origin: germline. Inheritance: Unknown mechanism. Affected: yes.

PreventionGenetics, part of Exact Sciences
Classification: Benign for KCNH5-related condition. Last evaluated: 2019-03-21. Review status: no assertion criteria provided. Collection method: clinical testing. Allele origin: germline. Not counted in ClinVar's aggregate classification.
Comment: This variant is classified as benign based on ACMG/AMP sequence variant interpretation guidelines (Richards et al. 2015 PMID: 25741868, with internal and published modifications).

NM_139318.5(KCNH5):c.2088G>A (p.Val696=)

Gene: KCNH5 (potassium voltage-gated channel subfamily H member 5; minus strand). Cytogenetic location: 14q23.2.
Variant type: single nucleotide variant.
Coding change: c.2088G>A on transcript NM_139318.5 (MANE Select); coding-DNA position 2088, G replaced by A.
Protein change: p.Val696=; no amino-acid change (valine 696 retained).
Molecular consequence: synonymous variant. On other transcripts: 3 prime UTR variant (1).
Genome position (GRCh38, 1-based): chr14:62,708,387, C>T on the plus strand (G>A on the coding strand, the complement: KCNH5 is on the minus strand). VCF-style: chr14-62708387-C-T. GRCh37 (hg19) VCF-style: chr14-63175105-C-T.
Other names: c.*55G>A (NM_172375.3).
Identifiers: ClinVar variation 416125 (VCV000416125.15), dbSNP rs36004050, ClinGen allele CA7217318.
Genomic context (GRCh38, chr14:62,708,387, plus strand): 5'-CTGCTGCTTGAACTTCTGGAAGAGCTTTCTGACTGGGTGGTCCACGGGAATGCTGAGGGT[C>T]ACCTCATTCTTCTGCCGGAGGCGCTCCTCCTCCTCTTTCTTCACATCACTGATCTTACGA-3'
Protein context (NP_647479.2, residues 686-706): EEERLRQKNE[Val696=]TLSIPVDHPV